The following is an entry in ClinVar:

ClinVar aggregate classification (germline): Uncertain significance (1 of 4 stars; one submission).

Conditions:
Rhabdoid tumor predisposition syndrome 2 (RTPS2). Identifiers: Orphanet 231108, Orphanet 69077, MedGen C2750074, MONDO:0013224, OMIM 613325.

Submission:

Labcorp Genetics (formerly Invitae), Labcorp
Classification: Uncertain significance for Rhabdoid tumor predisposition syndrome 2. Last evaluated: 2022-04-15. Review status: criteria provided, single submitter. Criteria: Invitae Variant Classification Sherloc (09022015). Collection method: clinical testing. Allele origin: germline.
Comment: In summary, the available evidence is currently insufficient to determine the role of this variant in disease. Therefore, it has been classified as a Variant of Uncertain Significance. Algorithms developed to predict the effect of missense changes on protein structure and function (SIFT, PolyPhen-2, Align-GVGD) all suggest that this variant is likely to be disruptive. This variant has not been reported in the literature in individuals affected with SMARCA4-related conditions. This variant is not present in population databases (gnomAD no frequency). This sequence change replaces glutamic acid, which is acidic and polar, with glutamine, which is neutral and polar, at codon 1310 of the SMARCA4 protein (p.Glu1310Gln).

NM_003072.5(SMARCA4):c.3928G>C (p.Glu1310Gln)

Gene: SMARCA4 (SWI/SNF related BAF chromatin remodeling complex subunit ATPase 4; plus strand). Cytogenetic location: 19p13.2.
Variant type: single nucleotide variant.
Coding change: c.3928G>C on transcript NM_003072.5 (MANE Select); coding-DNA position 3928, G replaced by C.
Protein change: p.Glu1310Gln; replaces glutamic acid 1310 with glutamine.
Molecular consequence: missense variant. On other transcripts: non-coding transcript variant (1).
Genome position (GRCh38, 1-based): chr19:11,034,177, G>C. VCF-style: chr19-11034177-G-C. GRCh37 (hg19) VCF-style: chr19-11144853-G-C.
Other names: c.3928G>C, p.Glu1310Gln (NM_001128844.3, NM_001128849.3, NM_001387283.1); c.3829G>C, p.Glu1277Gln (NM_001128845.2, NM_001128846.2, NM_001128847.4 and 3 more transcripts); short protein forms E1277Q, E1310Q.
Identifiers: ClinVar variation 2126203 (VCV002126203.4), dbSNP rs1398457701, ClinGen allele CA404067907.